The following is an entry in ClinVar:

ClinVar aggregate classification (germline): Uncertain significance (1 of 4 stars; one submission).

Conditions:
Primary dilated cardiomyopathy (DCM). Also called: Dilated Cardiomyopathy. Identifiers: Orphanet 217604, MedGen C0007193, MeSH D002311, MONDO:0005021, HP:0001644. Inheritance: Various modes of inheritance.

Submission:

Labcorp Genetics (formerly Invitae), Labcorp
Classification: Uncertain significance for Primary dilated cardiomyopathy. Last evaluated: 2022-07-19. Review status: criteria provided, single submitter. Criteria: Invitae Variant Classification Sherloc (09022015). Collection method: clinical testing. Allele origin: germline.
Comment: In summary, the available evidence is currently insufficient to determine the role of this variant in disease. Therefore, it has been classified as a Variant of Uncertain Significance. Algorithms developed to predict the effect of sequence changes on RNA splicing suggest that this variant may disrupt the consensus splice site. ClinVar contains an entry for this variant (Variation ID: 1488924). This variant has not been reported in the literature in individuals affected with NEBL-related conditions. This variant is not present in population databases (gnomAD no frequency). This sequence change affects an acceptor splice site in intron 18 of the NEBL gene. It is expected to disrupt RNA splicing. Variants that disrupt the donor or acceptor splice site typically lead to a loss of protein function (PMID: 16199547), however the current clinical and genetic evidence is not sufficient to establish whether loss-of-function variants in NEBL cause disease.

Literature cited by the submitters: PubMed 16199547.

NM_006393.3(NEBL):c.1870-1G>T

Gene: NEBL (nebulette; minus strand). Cytogenetic location: 10p12.31.
Variant type: single nucleotide variant.
Coding change: c.1870-1G>T on transcript NM_006393.3 (MANE Select); the canonical splice acceptor site of the intron before coding-DNA position 1870, G replaced by T.
Molecular consequence: splice acceptor variant. On other transcripts: intron variant (9).
Genome position (GRCh38, 1-based): chr10:20,823,301, C>A on the plus strand (G>T on the coding strand, the complement: NEBL is on the minus strand). VCF-style: chr10-20823301-C-A. GRCh37 (hg19) VCF-style: chr10-21112230-C-A.
Other names: c.250-10361G>T (NM_001377326.1, NM_001377327.1, NM_001377328.1); c.358-10361G>T (NM_213569.2, NM_001173484.2, NM_001377322.1); c.301-10361G>T (NM_001377324.1); c.292-10361G>T (NM_001377325.1); c.310-10361G>T (NM_001377323.1).
Identifiers: ClinVar variation 1488924 (VCV001488924.6), dbSNP rs112010030, ClinGen allele CA376095608.